The following is an entry in ClinVar:

NM_001127392.3(MYRF):c.1287C>T (p.Phe429=)

Gene: MYRF (myelin regulatory factor; plus strand). Cytogenetic location: 11q12.2.
Variant type: single nucleotide variant.
Coding change: c.1287C>T on transcript NM_001127392.3 (MANE Select); coding-DNA position 1287, C replaced by T.
Protein change: p.Phe429=; no amino-acid change (phenylalanine 429 retained).
Molecular consequence: synonymous variant.
Genome position (GRCh38, 1-based): chr11:61,774,138, C>T. VCF-style: chr11-61774138-C-T. GRCh37 (hg19) VCF-style: chr11-61541610-C-T.
Other names: c.1260C>T, p.Phe420= (NM_013279.4).
Identifiers: ClinVar variation 3045520 (VCV003045520.2), dbSNP rs1434682653, ClinGen allele CA474563876.

ClinVar aggregate classification (germline): Likely benign (0 of 4 stars; one submission).

Conditions:
MYRF-related disorder. Also called: MYRF-related disorders; MYRF-related condition.

Allele frequency attached by ClinVar (database versions not stated): gnomAD 0.00001; TOPMed 0.00001.
gnomAD v4.1: 2 of 1,611,260 alleles (0.00012%); highest among the groups gnomAD compares: Non-Finnish European, 0.00017%; no homozygotes.

Submission:

PreventionGenetics, part of Exact Sciences
Classification: Likely benign for MYRF-related condition. Last evaluated: 2024-01-03. Review status: no assertion criteria provided. Collection method: clinical testing. Allele origin: germline.
Comment: This variant is classified as likely benign based on ACMG/AMP sequence variant interpretation guidelines (Richards et al. 2015 PMID: 25741868, with internal and published modifications).